The following is an entry in ClinVar:

Conditions:
Breast-ovarian cancer, familial, susceptibility to, 1 (BROVCA1). Also called: BRCA1 Hereditary Breast and Ovarian Cancer; OVARIAN CANCER, SUSCEPTIBILITY TO. Identifiers: Orphanet 145, MedGen C2676676, MONDO:0011450, OMIM 604370. Disease mechanism: loss of function.

Submission:

Brotman Baty Institute, University of Washington
No classification provided (evidence only). Condition: Breast-ovarian cancer, familial 1. Review status: no classification provided. Collection method: in vitro. Allele origin: not applicable. Functional consequence: functionally_normal.
ClinVar note: "not provided" was previously submitted as the classification for the variant. However, the classification appeared to be based only on an observation of functional data so it was converted to no classification on 2025-07-30.

NM_007294.4(BRCA1):c.-9C>A

Gene: BRCA1 (BRCA1 DNA repair associated; minus strand). Cytogenetic location: 17q21.31.
Variant type: single nucleotide variant.
Coding change: c.-9C>A on transcript NM_007294.4 (MANE Select); 9 bases upstream of the start codon, C replaced by A.
Molecular consequence: 5 prime UTR variant. On other transcripts: non-coding transcript variant (1).
Genome position (GRCh38, 1-based): chr17:43,124,105, G>T on the plus strand (C>A on the coding strand, the complement: BRCA1 is on the minus strand). VCF-style: chr17-43124105-G-T. GRCh37 (hg19) VCF-style: chr17-41276122-G-T.
Other names: c.-9C>A (NM_001407971.1, NM_001407972.1, NM_001407973.1 and 169 more transcripts); c.-269C>A (NM_001408410.1, NM_001408452.1, NM_001408462.1 and 22 more transcripts); c.-96C>A (NM_001408454.1, NM_001408459.1, NM_001408460.1 and 21 more transcripts); c.-266C>A (NM_001408455.1, NM_001408456.1, NM_001408468.1 and 11 more transcripts); c.-270C>A (NM_001408465.1, NM_001407695.1); c.-197C>A (NM_001408478.1, NM_001408479.1, NM_001408480.1 and 42 more transcripts); c.-342C>A (NM_001408482.1); c.-313C>A (NM_001408492.1, NM_001407889.1); and 8 more.
Identifiers: ClinVar variation 867660 (VCV000867660.3), dbSNP rs1555601059, ClinGen allele CA916081153.
Genomic context (GRCh38, chr17:43,124,105, plus strand): 5'-TAGCATTAATGACATTTTGTACTTCTTCAACGCGAAGAGCAGATAAATCCATTTCTTTCT[G>T]TTCCAATGAACTTTAACACATTAGAAAAACATATATATATATCTTTTTAAAAGGTTTATA-3'